The following is an entry in ClinVar:

NM_001267550.2(TTN):c.103695G>A (p.Met34565Ile)

Genes: TTN-AS1 (TTN antisense RNA 1; plus strand), TTN (titin; minus strand). Cytogenetic location: 2q31.2.
Variant type: single nucleotide variant.
Coding change: c.103695G>A on transcript NM_001267550.2 (MANE Select); coding-DNA position 103695, G replaced by A.
Protein change: p.Met34565Ile; replaces methionine 34565 with isoleucine.
Molecular consequence: missense variant.
Genome position (GRCh38, 1-based): chr2:178,532,920, C>T on the plus strand (G>A on the coding strand, the complement: TTN is on the minus strand). VCF-style: chr2-178532920-C-T. GRCh37 (hg19) VCF-style: chr2-179397647-C-T.
Other names: c.98772G>A, p.Met32924Ile (NM_001256850.1); c.76500G>A, p.Met25500Ile (NM_003319.4); c.95991G>A, p.Met31997Ile (NM_133378.4); c.76875G>A, p.Met25625Ile (NM_133432.3); c.77076G>A, p.Met25692Ile (NM_133437.4); short protein forms M31997I, M25625I, M34565I, M25500I, M25692I, M32924I.
Identifiers: ClinVar variation 4791006 (VCV004791006.1).

ClinVar aggregate classification (germline): Uncertain significance (1 of 4 stars; one submission).

Conditions:
Autosomal recessive limb-girdle muscular dystrophy type 2J (LGMDR10). Also called: Limb-girdle muscular dystrophy, type 2J; MUSCULAR DYSTROPHY, LIMB-GIRDLE, AUTOSOMAL RECESSIVE 10. Identifiers: Orphanet 140922, MedGen C1837342, MONDO:0012127, OMIM 608807.
Dilated cardiomyopathy 1G (CMD1G). Identifiers: Orphanet 154, MedGen C1858763, MONDO:0011400, OMIM 604145.

Submission:

Labcorp Genetics (formerly Invitae), Labcorp
Classification: Uncertain significance for Dilated cardiomyopathy 1G; Autosomal recessive limb-girdle muscular dystrophy type 2J. Last evaluated: 2025-11-26. Review status: criteria provided, single submitter. Criteria: Invitae Variant Classification Sherloc (09022015). Collection method: clinical testing. Allele origin: germline.
Comment: This sequence change replaces methionine, which is neutral and non-polar, with isoleucine, which is neutral and non-polar, at codon 34565 of the TTN protein (p.Met34565Ile). This variant is not present in population databases (gnomAD no frequency). This variant has not been reported in the literature in individuals affected with TTN-related conditions. Experimental studies and prediction algorithms are not available or were not evaluated, and the functional significance of this variant is currently unknown. This variant is located in the M band of TTN (PMID: 25589632). Non-truncating variants in this region may be relevant for neuromuscular disorders, but have not been definitively shown to cause cardiomyopathy (PMID: 23975875). In summary, the available evidence is currently insufficient to determine the role of this variant in disease. Therefore, it has been classified as a Variant of Uncertain Significance.

Literature cited by the submitters: PubMed 25589632; PubMed 23975875.